The following is an entry in ClinVar:

ClinVar aggregate classification (germline): Uncertain significance. Review status: criteria provided, multiple submitters, no conflicts (2 of 4 stars). 2 submissions from 2 submitters: Uncertain significance (2). Last evaluated 2026-02-24.

Conditions:
Polyps, multiple and recurrent inflammatory fibroid, gastrointestinal. Identifiers: MedGen C5193005, MONDO:0008285, OMIM 175510.
Hereditary cancer-predisposing syndrome. Also called: Tumor predisposition; Hereditary Cancer Syndrome; Hereditary neoplastic syndrome; Neoplastic Syndromes, Hereditary. Identifiers: Orphanet 140162, MedGen C0027672, MeSH D009386, MONDO:0015356.

Allele frequency attached by ClinVar (database versions not stated): ExAC 0.00001.

Submissions (2):

Ambry Genetics
Classification: Uncertain significance for Hereditary cancer-predisposing syndrome. Last evaluated: 2026-02-24. Review status: criteria provided, single submitter. Criteria: Ambry Variant Classification Scheme 2023. Collection method: clinical testing. Allele origin: germline.
Comment: The p.D144V variant (also known as c.431A>T), located in coding exon 3 of the PDGFRA gene, results from an A to T substitution at nucleotide position 431. The aspartic acid at codon 144 is replaced by valine, an amino acid with highly dissimilar properties. This amino acid position is conserved. In addition, this alteration is predicted to be tolerated by in silico analysis. Based on the available evidence, the clinical significance of this variant remains unclear.

Baylor Genetics
Classification: Uncertain significance for Polyps, multiple and recurrent inflammatory fibroid, gastrointestinal. Last evaluated: 2023-12-12. Review status: criteria provided, single submitter. Criteria: ACMG Guidelines, 2015. Collection method: clinical testing. Allele origin: unknown.

NM_006206.6(PDGFRA):c.431A>T (p.Asp144Val)

Gene: PDGFRA (platelet derived growth factor receptor alpha; plus strand). Cytogenetic location: 4q12.
Variant type: single nucleotide variant.
Coding change: c.431A>T on transcript NM_006206.6 (MANE Select); coding-DNA position 431, A replaced by T.
Protein change: p.Asp144Val; replaces aspartic acid 144 with valine.
Molecular consequence: missense variant.
Genome position (GRCh38, 1-based): chr4:54,263,730, A>T. VCF-style: chr4-54263730-A-T. GRCh37 (hg19) VCF-style: chr4-55129897-A-T.
Other names: c.431A>T, p.Asp144Val (NM_001347827.2, NM_001347829.2); c.506A>T, p.Asp169Val (NM_001347828.2); c.470A>T, p.Asp157Val (NM_001347830.2); short protein forms D144V, D157V, D169V.
Identifiers: ClinVar variation 3240062 (VCV003240062.2), dbSNP rs770117588.